The following is an entry in ClinVar:

ClinVar aggregate classification (germline): Likely pathogenic. Review status: criteria provided, multiple submitters, no conflicts (2 of 4 stars). 2 submissions from 2 submitters: Likely pathogenic (2). Last evaluated 2025-08-07.

Conditions:
Seckel syndrome 6 (SCKL6). Identifiers: MedGen C3553582, MONDO:0013871, OMIM 614728.

Allele frequency attached by ClinVar (database versions not stated): gnomAD exomes below 0.00001; gnomAD 0.00001; TOPMed 0.00001.
gnomAD v4.1: 9 of 1,612,798 alleles (0.00056%); highest among the groups gnomAD compares: East Asian, 0.0067%; no homozygotes.

Submissions (2):

First Genomix Gene Laboratory, Genetic Diagnostics Department
Classification: Likely pathogenic for Seckel syndrome 6. Last evaluated: 2025-08-07. Review status: criteria provided, single submitter. Criteria: ACMG Guidelines, 2015. Collection method: clinical testing. Allele origin: germline. Inheritance: Autosomal recessive inheritance. Affected: no. Observed: 1 variant allele.

Labcorp Genetics (formerly Invitae), Labcorp
Classification: Likely pathogenic. Last evaluated: 2022-04-24. Review status: criteria provided, single submitter. Criteria: Invitae Variant Classification Sherloc (09022015). Collection method: clinical testing. Allele origin: germline.
Comment: This sequence change affects a donor splice site in intron 10 of the CEP63 gene. It is expected to disrupt RNA splicing. Variants that disrupt the donor or acceptor splice site typically lead to a loss of protein function (PMID: 16199547), and loss-of-function variants in CEP63 are known to be pathogenic (PMID: 21983783, 23936128, 26158450). In summary, the currently available evidence indicates that the variant is pathogenic, but additional data are needed to prove that conclusively. Therefore, this variant has been classified as Likely Pathogenic. Algorithms developed to predict the effect of sequence changes on RNA splicing suggest that this variant may disrupt the consensus splice site. This variant has not been reported in the literature in individuals affected with CEP63-related conditions. This variant is not present in population databases (gnomAD no frequency).

Literature cited by the submitters: PubMed 16199547 (cited by Labcorp Genetics (formerly Invitae), Labcorp); PubMed 21983783 (cited by Labcorp Genetics (formerly Invitae), Labcorp); PubMed 23936128 (cited by Labcorp Genetics (formerly Invitae), Labcorp); PubMed 26158450 (cited by Labcorp Genetics (formerly Invitae), Labcorp).

NM_001353108.3(CEP63):c.1067+2T>C

Gene: CEP63 (centrosomal protein 63; plus strand). Cytogenetic location: 3q22.2.
Variant type: single nucleotide variant.
Coding change: c.1067+2T>C on transcript NM_001353108.3 (MANE Select); the canonical splice donor site of the intron after coding-DNA position 1067, T replaced by C.
Molecular consequence: splice donor variant. On other transcripts: intron variant (12).
Genome position (GRCh38, 1-based): chr3:134,547,474, T>C. VCF-style: chr3-134547474-T-C. GRCh37 (hg19) VCF-style: chr3-134266316-T-C.
Other names: c.1067+2T>C (NM_001353113.1, NM_001353110.1, NM_001353117.2 and 4 more transcripts); c.929+1186T>C (NM_001042384.2, NM_001353122.1, NM_001353109.1 and 6 more transcripts); c.956+1186T>C (NM_001353118.1); c.566+1186T>C (NM_001353126.2); c.845+1186T>C (NM_001353125.2).
Identifiers: ClinVar variation 2171890 (VCV002171890.5), dbSNP rs1185168725, ClinGen allele CA354629648.